The following is an entry in ClinVar:

NM_003737.4(DCHS1):c.1433G>A (p.Arg478Gln)

Gene: DCHS1 (dachsous cadherin-related 1; minus strand). Cytogenetic location: 11p15.4.
Variant type: single nucleotide variant.
Coding change: c.1433G>A on transcript NM_003737.4 (MANE Select); coding-DNA position 1433, G replaced by A.
Protein change: p.Arg478Gln; replaces arginine 478 with glutamine.
Molecular consequence: missense variant.
Genome position (GRCh38, 1-based): chr11:6,640,181, C>T on the plus strand (G>A on the coding strand, the complement: DCHS1 is on the minus strand). VCF-style: chr11-6640181-C-T. GRCh37 (hg19) VCF-style: chr11-6661412-C-T.
Other names: short protein forms R478Q.
Identifiers: ClinVar variation 2414174 (VCV002414174.6), dbSNP rs1170803916, ClinGen allele CA379432184.

ClinVar aggregate classification (germline): Uncertain significance (1 of 4 stars; one submission).

Allele frequency attached by ClinVar (database versions not stated): TOPMed below 0.00001; gnomAD exomes 0.00001; gnomAD 0.00002.
gnomAD v4.1: 20 of 1,613,580 alleles (0.0012%); highest among the groups gnomAD compares: East Asian, 0.0089%; no homozygotes.

Submission:

Labcorp Genetics (formerly Invitae), Labcorp
Classification: Uncertain significance. Last evaluated: 2023-07-29. Review status: criteria provided, single submitter. Criteria: Invitae Variant Classification Sherloc (09022015). Collection method: clinical testing. Allele origin: germline.
Comment: Advanced modeling of protein sequence and biophysical properties (such as structural, functional, and spatial information, amino acid conservation, physicochemical variation, residue mobility, and thermodynamic stability) performed at Invitae indicates that this missense variant is expected to disrupt DCHS1 protein function. In summary, the available evidence is currently insufficient to determine the role of this variant in disease. Therefore, it has been classified as a Variant of Uncertain Significance. ClinVar contains an entry for this variant (Variation ID: 2414174). This variant has not been reported in the literature in individuals affected with DCHS1-related conditions. This variant is present in population databases (no rsID available, gnomAD 0.01%). This sequence change replaces arginine, which is basic and polar, with glutamine, which is neutral and polar, at codon 478 of the DCHS1 protein (p.Arg478Gln).